The following is an entry in ClinVar:

NM_033225.6(CSMD1):c.490G>A (p.Gly164Arg)

Gene: CSMD1 (CUB and Sushi multiple domains 1; minus strand). Cytogenetic location: 8p23.2.
Variant type: single nucleotide variant.
Coding change: c.490G>A on transcript NM_033225.6 (MANE Select); coding-DNA position 490, G replaced by A.
Protein change: p.Gly164Arg; replaces glycine 164 with arginine.
Molecular consequence: missense variant.
Genome position (GRCh38, 1-based): chr8:4,032,025, C>T on the plus strand (G>A on the coding strand, the complement: CSMD1 is on the minus strand). VCF-style: chr8-4032025-C-T. GRCh37 (hg19) VCF-style: chr8-3889547-C-T.
Other names: short protein forms G164R.
Identifiers: ClinVar variation 2658348 (VCV002658348.24), dbSNP rs376282969, ClinGen allele CA370214066.
Genomic context (GRCh38, chr8:4,032,025, plus strand): 5'-TCAGGATGGCGTGGCCTTCCAAGATGTAGCCAGGGAGGCAGCTGTACCGGATTTTGTCTC[C>T]TATGTTGAATCTCGTTCCATGCAGAACTCCTTTCAGGATTTCTCCAGGATTTCCACAAGT-3'
Protein context (NP_150094.5, residues 154-174): GVLHGTRFNI[Gly164Arg]DKIRYSCLPG

ClinVar aggregate classification (germline): Uncertain significance (1 of 4 stars; one submission).

gnomAD v4.1: 3 of 1,613,930 alleles (0.00019%); highest among the groups gnomAD compares: Non-Finnish European, 0.00025%; no homozygotes.

Submission:

CeGaT Center for Human Genetics Tuebingen
Classification: Uncertain significance. Last evaluated: 2023-01-01. Review status: criteria provided, single submitter. Criteria: CeGaT Center For Human Genetics Tuebingen Variant Classification Criteria Version 2. Collection method: clinical testing. Allele origin: germline. Affected: yes. Observed: 1 variant allele.
Comment: CSMD1: PM2, PP3